The following is an entry in ClinVar:

NM_015330.6(SPECC1L):c.1733G>T (p.Arg578Leu)

Genes: SPECC1L (sperm antigen with calponin homology and coiled-coil domains 1 like; plus strand), SPECC1L-ADORA2A (SPECC1L-ADORA2A readthrough (NMD candidate); plus strand). Cytogenetic location: 22q11.23.
Variant type: single nucleotide variant.
Coding change: c.1733G>T on transcript NM_015330.6 (MANE Select); coding-DNA position 1733, G replaced by T.
Protein change: p.Arg578Leu; replaces arginine 578 with leucine.
Molecular consequence: missense variant. On other transcripts: non-coding transcript variant (1).
Genome position (GRCh38, 1-based): chr22:24,322,713, G>T. VCF-style: chr22-24322713-G-T. GRCh37 (hg19) VCF-style: chr22-24718681-G-T.
Other names: c.1733G>T, p.Arg578Leu (NM_001145468.4, NM_001254732.3); short protein forms R578L.
Identifiers: ClinVar variation 2074500 (VCV002074500.4), dbSNP rs201275356, ClinGen allele CA410971934.

ClinVar aggregate classification (germline): Uncertain significance (1 of 4 stars; one submission).

gnomAD v4.1: 1 of 1,594,394 alleles (0.000063%); highest among the groups gnomAD compares: South Asian, 0.0011%; no homozygotes.

Submission:

Labcorp Genetics (formerly Invitae), Labcorp
Classification: Uncertain significance. Last evaluated: 2022-02-20. Review status: criteria provided, single submitter. Criteria: Invitae Variant Classification Sherloc (09022015). Collection method: clinical testing. Allele origin: germline.
Comment: In summary, the available evidence is currently insufficient to determine the role of this variant in disease. Therefore, it has been classified as a Variant of Uncertain Significance. Algorithms developed to predict the effect of missense changes on protein structure and function (SIFT, PolyPhen-2, Align-GVGD) all suggest that this variant is likely to be disruptive. This variant has not been reported in the literature in individuals affected with SPECC1L-related conditions. The frequency data for this variant in the population databases is considered unreliable, as metrics indicate poor data quality at this position in the gnomAD database. This sequence change replaces arginine, which is basic and polar, with leucine, which is neutral and non-polar, at codon 578 of the SPECC1L protein (p.Arg578Leu).